The following is an entry in ClinVar:

NM_001371986.1(UNC80):c.2002A>G (p.Ile668Val)

Gene: UNC80 (unc-80 homolog, NALCN channel complex subunit; plus strand). Cytogenetic location: 2q34.
Variant type: single nucleotide variant.
Coding change: c.2002A>G on transcript NM_001371986.1 (MANE Select); coding-DNA position 2002, A replaced by G.
Protein change: p.Ile668Val; replaces isoleucine 668 with valine.
Molecular consequence: missense variant.
Genome position (GRCh38, 1-based): chr2:209,820,350, A>G. VCF-style: chr2-209820350-A-G. GRCh37 (hg19) VCF-style: chr2-210685074-A-G.
Other names: c.2002A>G, p.Ile668Val (NM_032504.2, NM_182587.4); short protein forms I668V.
Identifiers: ClinVar variation 1909830 (VCV001909830.3), dbSNP rs2470970278, ClinGen allele CA350136256.

ClinVar aggregate classification (germline): Uncertain significance (1 of 4 stars; one submission).

Allele frequency attached by ClinVar (database versions not stated): gnomAD exomes below 0.00001.
gnomAD v4.1: 3 of 1,550,954 alleles (0.00019%); highest among the groups gnomAD compares: Admixed American, 0.002%; no homozygotes.

Submission:

Labcorp Genetics (formerly Invitae), Labcorp
Classification: Uncertain significance. Last evaluated: 2022-05-29. Review status: criteria provided, single submitter. Criteria: Invitae Variant Classification Sherloc (09022015). Collection method: clinical testing. Allele origin: germline.
Comment: This sequence change replaces isoleucine, which is neutral and non-polar, with valine, which is neutral and non-polar, at codon 668 of the UNC80 protein (p.Ile668Val). This variant is not present in population databases (gnomAD no frequency). This variant has not been reported in the literature in individuals affected with UNC80-related conditions. Algorithms developed to predict the effect of missense changes on protein structure and function are either unavailable or do not agree on the potential impact of this missense change (SIFT: "Not Available"; PolyPhen-2: "Possibly Damaging"; Align-GVGD: "Not Available"). In summary, the available evidence is currently insufficient to determine the role of this variant in disease. Therefore, it has been classified as a Variant of Uncertain Significance.